The following is an entry in ClinVar:

ClinVar aggregate classification (germline): Uncertain significance. Review status: criteria provided, multiple submitters, no conflicts (2 of 4 stars). 3 submissions from 3 submitters: Uncertain significance (3). Last evaluated 2025-12-09.

Conditions:
ANKRD26-related disorder. Also called: ANKRD26-related condition.

Allele frequency attached by ClinVar (database versions not stated): gnomAD 0.00005; TOPMed 0.00005; gnomAD exomes 0.00006; ESP Exome Variant Server 0.00008; ExAC 0.00010.
gnomAD v4.1: 97 of 1,613,910 alleles (0.006%); highest among the groups gnomAD compares: Middle Eastern, 0.016%; no homozygotes.

Submissions (3):

Labcorp Genetics (formerly Invitae), Labcorp
Classification: Uncertain significance. Last evaluated: 2025-12-09. Review status: criteria provided, single submitter. Criteria: Invitae Variant Classification Sherloc (09022015). Collection method: clinical testing. Allele origin: germline.
Comment: This sequence change replaces asparagine, which is neutral and polar, with aspartic acid, which is acidic and polar, at codon 1642 of the ANKRD26 protein (p.Asn1642Asp). This variant is present in population databases (rs199699340, gnomAD 0.01%). This variant has not been reported in the literature in individuals affected with ANKRD26-related conditions. ClinVar contains an entry for this variant (Variation ID: 2047725). An algorithm developed to predict the effect of missense changes on protein structure and function outputs the following: PolyPhen-2: "Benign". The aspartic acid amino acid residue is found in multiple mammalian species, which suggests that this missense change does not adversely affect protein function. In summary, the available evidence is currently insufficient to determine the role of this variant in disease. Therefore, it has been classified as a Variant of Uncertain Significance.

PreventionGenetics, part of Exact Sciences
Classification: Uncertain significance for ANKRD26-related condition. Last evaluated: 2025-04-30. Review status: criteria provided, single submitter. Criteria: ACMG Guidelines, 2015. Collection method: clinical testing. Allele origin: germline.
Comment: The ANKRD26 c.4924A>G variant is predicted to result in the amino acid substitution p.Asn1642Asp. This variant has been reported in a cohort of young patients with acute myeloid leukemia (Kirschner et al. 2022. PubMed ID: 36258922). This variant is reported in 0.012% of alleles in individuals of European (Non-Finnish) descent in gnomAD and is interpreted as uncertain in ClinVar. At this time, the clinical significance of this variant is uncertain due to the absence of conclusive functional and genetic evidence.

GeneDx
Classification: Uncertain significance. Last evaluated: 2024-10-08. Review status: criteria provided, single submitter. Criteria: GeneDx Variant Classification Process June 2021. Collection method: clinical testing. Allele origin: germline. Affected: yes.
Comment: In silico analysis supports that this missense variant has a deleterious effect on protein structure/function; Observed in a cohort of individuals in complete remission from AML (PMID: 36258922); This variant is associated with the following publications: (PMID: 36258922)

NM_014915.3(ANKRD26):c.4924A>G (p.Asn1642Asp)

Gene: ANKRD26 (ankyrin repeat domain 26; minus strand). Cytogenetic location: 10p12.1.
Variant type: single nucleotide variant.
Coding change: c.4924A>G on transcript NM_014915.3 (MANE Select); coding-DNA position 4924, A replaced by G.
Protein change: p.Asn1642Asp; replaces asparagine 1642 with aspartic acid.
Molecular consequence: missense variant.
Genome position (GRCh38, 1-based): chr10:27,012,911, T>C on the plus strand (A>G on the coding strand, the complement: ANKRD26 is on the minus strand). VCF-style: chr10-27012911-T-C. GRCh37 (hg19) VCF-style: chr10-27301840-T-C.
Other names: c.4921A>G, p.Asn1641Asp (NM_001256053.2); short protein forms N1642D, N1641D.
Identifiers: ClinVar variation 2047725 (VCV002047725.6), dbSNP rs199699340, ClinGen allele CA5447695.